The following is an entry in ClinVar:

ClinVar aggregate classification (germline): Uncertain significance. Review status: criteria provided, single submitter (1 of 4 stars). 2 submissions from 2 submitters: Uncertain significance (1). 1 of the submissions does not count toward it. Last evaluated 2024-10-29.

Conditions:
MACF1-related disorder. Also called: MACF1-related condition.

Allele frequency attached by ClinVar (database versions not stated): ExAC 0.00006; 1000 Genomes Project 30x 0.00031; gnomAD 0.00003; gnomAD exomes 0.00005; TOPMed 0.00007; ESP Exome Variant Server 0.00008; 1000 Genomes Project 0.00020.
gnomAD v4.1: 76 of 1,552,778 alleles (0.0049%); highest among the groups gnomAD compares: Admixed American, 0.037%; no homozygotes.

Submissions (2):

Labcorp Genetics (formerly Invitae), Labcorp
Classification: Uncertain significance. Last evaluated: 2024-10-29. Review status: criteria provided, single submitter. Criteria: Invitae Variant Classification Sherloc (09022015). Collection method: clinical testing. Allele origin: germline.
Comment: This sequence change replaces threonine, which is neutral and polar, with serine, which is neutral and polar, at codon 4642 of the MACF1 protein (p.Thr4642Ser). This variant is present in population databases (rs376728302, gnomAD 0.05%), and has an allele count higher than expected for a pathogenic variant. This variant has not been reported in the literature in individuals affected with MACF1-related conditions. ClinVar contains an entry for this variant (Variation ID: 2065374). An algorithm developed to predict the effect of missense changes on protein structure and function (PolyPhen-2) suggests that this variant is likely to be disruptive. In summary, the available evidence is currently insufficient to determine the role of this variant in disease. Therefore, it has been classified as a Variant of Uncertain Significance.

PreventionGenetics, part of Exact Sciences
Classification: Uncertain significance for MACF1-related condition. Last evaluated: 2024-09-03. Review status: no assertion criteria provided. Collection method: clinical testing. Allele origin: germline. Not counted in ClinVar's aggregate classification.
Comment: The MACF1 c.13925C>G variant is predicted to result in the amino acid substitution p.Thr4642Ser. This variant has been reported in an individual with psychosis who also carries two rare duplications affecting CNTN6 and CDH13 (Pol-Fuster et al 2021. PubMed ID: 33897758). This variant is reported in 0.049% of alleles in individuals of Latino descent in gnomAD. Although we suspect that this variant may be benign, at this time, the clinical significance of this variant is uncertain due to the absence of conclusive functional and genetic evidence.

NM_001394062.1(MACF1):c.20102C>G (p.Thr6701Ser)

Gene: MACF1 (microtubule actin crosslinking factor 1; plus strand). Cytogenetic location: 1p34.3.
Variant type: single nucleotide variant.
Coding change: c.20102C>G on transcript NM_001394062.1 (MANE Select); coding-DNA position 20102, C replaced by G.
Protein change: p.Thr6701Ser; replaces threonine 6701 with serine.
Molecular consequence: missense variant.
Genome position (GRCh38, 1-based): chr1:39,448,607, C>G. VCF-style: chr1-39448607-C-G. GRCh37 (hg19) VCF-style: chr1-39914279-C-G.
Other names: c.8180C>G, p.Thr2727Ser (NM_001397473.1); c.13925C>G, p.Thr4642Ser (NM_012090.5); short protein forms T2727S, T4642S, T6701S.
Identifiers: ClinVar variation 2065374 (VCV002065374.5), dbSNP rs376728302, ClinGen allele CA784311.
Genomic context (GRCh38, chr1:39,448,607, plus strand): 5'-TGTCGTCTGACTTTTAACACTTTTTTCTTTTCTTTCTGGAAACATAGGAGTTTCAGAAGA[C>G]TCTTGGTGGCAAGCAGCCTGTGTATGATACCACAATTAGAACTGGCAGAGCACTGAAAGA-3'
Protein context (NP_001380991.1, residues 6691-6711): QLSKHKEFQK[Thr6701Ser]LGGKQPVYDT